The following is an entry in ClinVar:

ClinVar aggregate classification (germline): Conflicting classifications of pathogenicity. Review status: criteria provided, conflicting classifications (1 of 4 stars). 4 submissions from 4 submitters: Uncertain significance (3); Likely benign (1). Last evaluated 2025-12-24.

Conditions:
Inborn genetic diseases. Identifiers: MedGen C0950123, MeSH D030342.

Allele frequency attached by ClinVar (database versions not stated): TOPMed 0.00005; gnomAD 0.00007 and 0.00008; ESP Exome Variant Server 0.00008; gnomAD exomes 0.00010; ExAC 0.00053.
gnomAD v4.1: 163 of 1,611,182 alleles (0.01%); highest among the groups gnomAD compares: Non-Finnish European, 0.013%; no homozygotes.

Submissions (4):

Labcorp Genetics (formerly Invitae), Labcorp
Classification: Uncertain significance. Last evaluated: 2025-12-24. Review status: criteria provided, single submitter. Criteria: Invitae Variant Classification Sherloc (09022015). Collection method: clinical testing. Allele origin: germline.
Comment: This sequence change replaces aspartic acid, which is acidic and polar, with asparagine, which is neutral and polar, at codon 198 of the PRDM13 protein (p.Asp198Asn). This variant is present in population databases (rs373935217, gnomAD 0.05%), and has an allele count higher than expected for a pathogenic variant. This variant has not been reported in the literature in individuals affected with PRDM13-related conditions. ClinVar contains an entry for this variant (Variation ID: 426806). An algorithm developed to predict the effect of missense changes on protein structure and function (PolyPhen-2) suggests that this variant is likely to be tolerated. In summary, the available evidence is currently insufficient to determine the role of this variant in disease. Therefore, it has been classified as a Variant of Uncertain Significance.

Blueprint Genetics
Classification: Likely benign. Last evaluated: 2024-09-11. Review status: criteria provided, single submitter. Criteria: ACMG Guidelines, 2015. Collection method: clinical testing. Allele origin: germline.

Ambry Genetics
Classification: Uncertain significance for Inborn genetic diseases. Last evaluated: 2022-12-21. Review status: criteria provided, single submitter. Criteria: Ambry Variant Classification Scheme 2023. Collection method: clinical testing. Allele origin: germline.

GeneDx
Classification: Uncertain significance. Last evaluated: 2017-04-03. Review status: criteria provided, single submitter. Criteria: GeneDx Variant Classification (06012015). Collection method: clinical testing. Allele origin: germline. Affected: yes.
Comment: The D198N variant in the PRDM13 gene has not been reported previously as a pathogenic variant, nor as a benign variant, to our knowledge. The D198N variant is observed in 53/54782 (0.1%) alleles from individuals of European background, in large population cohorts (Lek et al., 2016; 1000 Genomes Consortium et al., 2015; Exome Variant Server). The D198N variant is a semi-conservative amino acid substitution, which may impact secondary protein structure as these residues differ in some properties. This substitution occurs at a position that is not conserved. In silico analysis is inconsistent in its predictions as to whether or not the variant is damaging to the protein structure/function. We interpret D198N as a variant of uncertain significance.

NM_021620.4(PRDM13):c.592G>A (p.Asp198Asn)

Gene: PRDM13 (PR/SET domain 13; plus strand). Cytogenetic location: 6q16.2.
Variant type: single nucleotide variant.
Coding change: c.592G>A on transcript NM_021620.4 (MANE Select); coding-DNA position 592, G replaced by A.
Protein change: p.Asp198Asn; replaces aspartic acid 198 with asparagine.
Molecular consequence: missense variant.
Genome position (GRCh38, 1-based): chr6:99,613,227, G>A. VCF-style: chr6-99613227-G-A. GRCh37 (hg19) VCF-style: chr6-100061103-G-A.
Other names: short protein forms D198N.
Identifiers: ClinVar variation 426806 (VCV000426806.11), dbSNP rs373935217, ClinGen allele CA3936242.